The following is an entry in ClinVar:

ClinVar aggregate classification (germline): Pathogenic. Review status: criteria provided, multiple submitters, no conflicts (2 of 4 stars). 26 submissions from 24 submitters: Pathogenic (22). 4 of the submissions do not count toward it. Last evaluated 2026-08-11.

Conditions:
Glycogen storage disease, type IV (GSD4). Also called: Glycogen storage disease due to glycogen branching enzyme deficiency; AMYLOPECTINOSIS; ANDERSEN DISEASE; BRANCHER DEFICIENCY; CIRRHOSIS, FAMILIAL, WITH DEPOSITION OF ABNORMAL GLYCOGEN; GBE1 DEFICIENCY. Identifiers: Orphanet 367, MedGen C0017923, MONDO:0009292, OMIM 232500.
Glycogen storage disease IV, classic hepatic. Also called: GSD IV, CLASSIC HEPATIC. Identifiers: MedGen C1856301.
Adult polyglucosan body neuropathy. Identifiers: MedGen C4017118.
Inborn genetic diseases. Identifiers: MedGen C0950123, MeSH D030342.
GBE1-related disorder. Also called: GBE1-related disorders; GBE1-related condition. Identifiers: MedGen CN239402.
Adult polyglucosan body disease (APBN). Also called: GBE1-Adult Polyglucosan Body Disease; POLYGLUCOSAN BODY DISEASE, ADULT FORM. Identifiers: Orphanet 206583, MedGen C1849722, MONDO:0009897, OMIM 263570.
Glycogen storage disease. Also called: glycogen storage disorder; Disorder of glycogen metabolism. Identifiers: Orphanet 79201, MedGen C0017919, MONDO:0002412.
Glycogen storage disease IV, nonprogressive hepatic. Identifiers: MedGen C4017114.

Allele frequency attached by ClinVar (database versions not stated): TOPMed 0.00018.
gnomAD v4.1: 275 of 1,597,294 alleles (0.017%); highest among the groups gnomAD compares: Non-Finnish European, 0.003%; no homozygotes.

Submissions 1 to 13 of 26:

PreventionGenetics, part of Exact Sciences
Classification: Pathogenic for GBE1-related condition. Last evaluated: 2026-08-11. Review status: criteria provided, single submitter. Criteria: ACMG Guidelines, 2015. Collection method: clinical testing. Allele origin: germline.
Comment: The GBE1 c.986A>C variant is predicted to result in the amino acid substitution p.Tyr329Ser. This variant has been reported to be causative for autosomal recessive glycogen storage disease IV (Bao et al. 1996. PubMed ID: 8613547) as well as for adult polyglucosan body disease (Lossos et al. 1998. PubMed ID: 9851430; Akman et al. 2015. PubMed ID: 25665141). It is commonly found in patients of Ashkenazi Jewish ancestry (0.65% of alleles in individuals of Ashkenazi Jewish descent in gnomAD). Bao et al. reported that this variant results in the loss of approximately 50% of glycogen branching enzyme activity. This variant is interpreted as pathogenic.

Labcorp Genetics (formerly Invitae), Labcorp
Classification: Pathogenic for Glycogen storage disease, type IV; Glycogen storage disease IV, classic hepatic. Last evaluated: 2026-01-20. Review status: criteria provided, single submitter. Criteria: Invitae Variant Classification Sherloc (09022015). Collection method: clinical testing. Allele origin: germline.
Comment: This sequence change replaces tyrosine, which is neutral and polar, with serine, which is neutral and polar, at codon 329 of the GBE1 protein (p.Tyr329Ser). This variant is present in population databases (rs80338671, gnomAD 0.6%). This missense change has been observed in individual(s) with adult polyglucosan body disease (PMID: 8613547, 20655781, 24082139, 25133958, 25665141). It is commonly reported in individuals of Ashkenazi Jewish ancestry (PMID: 8613547, 20655781, 24082139, 25133958, 25665141). ClinVar contains an entry for this variant (Variation ID: 2777). Invitae Evidence Modeling of protein sequence and biophysical properties (such as structural, functional, and spatial information, amino acid conservation, physicochemical variation, residue mobility, and thermodynamic stability) indicates that this missense variant is expected to disrupt GBE1 protein function with a positive predictive value of 95%. Experimental studies have shown that this missense change affects GBE1 function (PMID: 8613547, 26199317, 26385640). For these reasons, this variant has been classified as Pathogenic.

Natera, Inc.
Classification: Pathogenic for Glycogen storage disease type IV. Last evaluated: 2025-09-30. Review status: criteria provided, single submitter. Criteria: Natera Variant Classification Schema (03/2026). Collection method: clinical testing. Allele origin: germline.
Comment: The c.986A>C variant in GBE1 is a missense variant predicted to cause substitution of tyrosine to serine at amino acid 329. The frequency of this variant in the general population is greater than expected for disorder. This variant has been observed in one or more individuals affected with the associated recessive disease, as either homozygous or compound heterozygous with a second variant (PMID:28507268, 25665141, 23034915). This variant has been observed to segregate in affected family members (PMID: 20655781). Functional studies show that this variant may disrupt protein function (PMID: 26385640). Computational prediction algorithms indicate this variant is likely to affect gene or protein function. Given the available evidence, this variant is classified as Pathogenic.

Genetics Laboratory, Great Ormond Street Hospital NHS Foundation Trust, North Thames Genomic Laboratory Hub
Classification: Pathogenic for Glycogen storage disease. Last evaluated: 2025-09-23. Review status: criteria provided, single submitter. Criteria: ACGS Best Practice Guidelines for Variant Classification in Rare Disease 2024 v1.2. Collection method: clinical testing. Allele origin: germline. Affected: yes.
Comment: PS4_moderate, PP3_supporting, PS3_moderate, PM3_supporting, PP4_strong

Dasa
Classification: Pathogenic. Last evaluated: 2025-09-10. Review status: criteria provided, single submitter. Criteria: DASA Assertion Criteria. Collection method: clinical testing. Allele origin: germline.
Comment: NM_000158.4(GBE1):c.986A>C (p.Tyr329Ser) is a missense variant that results in the substitution of tyrosine with serine. The affected residue or protein region has prior evidence supporting clinical relevance. This variant has been observed in affected individuals with related phenotype in a genotype context consistent with recessive disease (PMID: 30293248; PMID: 26385640; PMID: 26199317; PMID: 25665141; PMID: 23034915). Functional evidence supports a deleterious effect on the gene or gene product (PMID: 30293248; PMID: 26385640; PMID: 26199317; PMID: 25665141; PMID: 23034915). This variant has been recurrently observed in individuals with related phenotype (PMID: 30293248; PMID: 26385640; PMID: 26199317; PMID: 25665141; PMID: 23034915). Multiple computational predictions support a deleterious effect on the gene or gene product. The variant is present at low frequency in population datasets. Based on the available data, this variant is classified as pathogenic.

Mayo Clinic Laboratories, Mayo Clinic
Classification: Pathogenic. Last evaluated: 2025-06-23. Review status: criteria provided, single submitter. Criteria: ACMG Guidelines, 2015. Collection method: clinical testing. Allele origin: germline. Observed: 3 variant alleles.
Comment: PP3_strong, PP4, PM3, PS3

Undiagnosed Diseases Network, NIH
Classification: Pathogenic for Adult polyglucosan body disease. Last evaluated: 2025-03-28. Review status: criteria provided, single submitter. Criteria: ACMG Guidelines, 2015. Collection method: clinical testing. Allele origin: unknown. Inheritance: Autosomal recessive inheritance. Affected: yes. Observed: 1 variant allele, 1 compound heterozygote. Study: Undiagnosed Diseases Network (NIH), UDN.

Ambry Genetics
Classification: Pathogenic for Inborn genetic diseases. Last evaluated: 2025-03-21. Review status: criteria provided, single submitter. Criteria: Ambry Variant Classification Scheme 2023. Collection method: clinical testing. Allele origin: germline.
Comment: The c.986A>C (p.Y329S) alteration is located in exon 7 (coding exon 7) of the GBE1 gene. This alteration results from an A to C substitution at nucleotide position 986, causing the tyrosine (Y) at amino acid position 329 to be replaced by a serine (S). Based on data from gnomAD, the C allele has an overall frequency of 0.032% (79/248464) total alleles studied. The highest observed frequency was 0.648% (65/10038) of Ashkenazi Jewish alleles. This variant has been identified in the homozygous state and in conjunction with other GBE1 variants in individuals with features consistent with GBE1-related glycogen storage disease (Bao, 1996; Lossos, 1998; Mochel, 2012; Fogel, 2014). This amino acid position is highly conserved in available vertebrate species. In multiple assays testing GBE1 function, this variant showed functionally abnormal results (Bao, 1996; Lossos, 1998; Mochel, 2012). In addition, an animal model expressing this variant exhibited phenotypes consistent with GBE1-related disease (Orhan Akman, 2015). This alteration is predicted to be deleterious by in silico analysis. Based on the available evidence, this alteration is classified as pathogenic.

Blueprint Genetics
Classification: Pathogenic for GBE1-related disorders. Last evaluated: 2024-11-21. Review status: criteria provided, single submitter. Criteria: ACMG Guidelines, 2015. Collection method: clinical testing. Allele origin: germline. Affected: yes. Observed: 5 variant alleles.

Revvity Omics, Revvity
Classification: Pathogenic. Last evaluated: 2024-04-11. Review status: criteria provided, single submitter. Criteria: ACMG Guidelines, 2015. Collection method: clinical testing. Allele origin: germline.

Baylor Genetics
Classification: Pathogenic for Glycogen storage disease, type IV. Last evaluated: 2024-03-25. Review status: criteria provided, single submitter. Criteria: ACMG Guidelines, 2015. Collection method: clinical testing. Allele origin: unknown.

Fulgent Genetics
Classification: Pathogenic for Glycogen storage disease, type IV; Adult polyglucosan body disease. Last evaluated: 2024-02-13. Review status: criteria provided, single submitter. Criteria: ACMG Guidelines, 2015. Collection method: clinical testing. Allele origin: germline.

Department of Pathology and Laboratory Medicine, Sinai Health System
Classification: Pathogenic for Glycogen storage disease, type IV. Last evaluated: 2022-10-31. Review status: criteria provided, single submitter. Criteria: ACMG Guidelines, 2015. Collection method: research. Allele origin: germline.

NM_000158.4(GBE1):c.986A>C (p.Tyr329Ser)

Gene: GBE1 (1,4-alpha-glucan branching enzyme 1; minus strand). Cytogenetic location: 3p12.2.
Variant type: single nucleotide variant.
Coding change: c.986A>C on transcript NM_000158.4 (MANE Select); coding-DNA position 986, A replaced by C.
Protein change: p.Tyr329Ser; replaces tyrosine 329 with serine.
Molecular consequence: missense variant.
Genome position (GRCh38, 1-based): chr3:81,642,787, T>G on the plus strand (A>C on the coding strand, the complement: GBE1 is on the minus strand). VCF-style: chr3-81642787-T-G. GRCh37 (hg19) VCF-style: chr3-81691938-T-G.
Other names: NM_000158.4(GBE1):c.986A>C; p.Tyr329Cys; short protein forms Y329S.
Identifiers: ClinVar variation 2777 (VCV000002777.87), dbSNP rs80338671, ClinGen allele CA115743.